The following is an entry in ClinVar:

ClinVar aggregate classification (germline): Likely benign (1 of 4 stars; one submission).

Allele frequency attached by ClinVar (database versions not stated): 1000 Genomes Project 30x 0.00187; 1000 Genomes Project 0.00200; ESP Exome Variant Server 0.00308; gnomAD 0.00337; TOPMed 0.00344.

Submission:

CeGaT Center for Human Genetics Tuebingen
Classification: Likely benign. Last evaluated: 2023-01-01. Review status: criteria provided, single submitter. Criteria: CeGaT Center For Human Genetics Tuebingen Variant Classification Criteria Version 2. Collection method: clinical testing. Allele origin: germline. Affected: yes. Observed: 1 variant allele.
Comment: PCNX4: BP4, BS2

NM_001330177.2(PCNX4):c.3217A>G (p.Ile1073Val)

Gene: PCNX4 (pecanex 4; plus strand). Cytogenetic location: 14q23.1.
Variant type: single nucleotide variant.
Coding change: c.3217A>G on transcript NM_001330177.2 (MANE Select); coding-DNA position 3217, A replaced by G.
Protein change: p.Ile1073Val; replaces isoleucine 1073 with valine.
Molecular consequence: missense variant.
Genome position (GRCh38, 1-based): chr14:60,125,773, A>G. VCF-style: chr14-60125773-A-G. GRCh37 (hg19) VCF-style: chr14-60592491-A-G.
Other names: c.2515A>G, p.Ile839Val (NM_022495.5); short protein forms I1073V, I839V.
Identifiers: ClinVar variation 2644266 (VCV002644266.24), dbSNP rs145320435, ClinGen allele CA7211106.